The following is an entry in ClinVar:

ClinVar aggregate classification (germline): Pathogenic (1 of 4 stars; one submission).

Submission:

GeneDx
Classification: Pathogenic. Last evaluated: 2016-07-21. Review status: criteria provided, single submitter. Criteria: GeneDx Variant Classification (06012015). Collection method: clinical testing. Allele origin: germline. Affected: yes.
Comment: The c.1338_1341delAGTG pathogenic variant in the ARID2 gene has not been reported previously as a pathogenic variant nor as a benign variant, to our knowledge. This variant causes a frameshift starting with codon Leucine 446, changes this amino acid to a Phenylalanine residue, and creates a premature Stop codon at position 16 of the new reading frame, denoted p.Leu446PhefsX16. This variant is predicted to cause loss of normal protein function either through protein truncation or nonsense-mediated mRNA decay. The c.1338_1341delAGTG variant was not observed in approximately 6500 individuals of European and African American ancestry in the NHLBI Exome Sequencing Project, indicating it is not a common benign variant in these populations. We interpret c.1338_1341delAGTG as a pathogenic variant.

NM_152641.4(ARID2):c.1338_1341del (p.Leu446fs)

Gene: ARID2 (AT-rich interaction domain 2; plus strand). Cytogenetic location: 12q12.
Variant type: Deletion.
Coding change: c.1338_1341del on transcript NM_152641.4 (MANE Select); coding-DNA positions 1338 to 1341, 4 bases deleted (AGTG; older notation c.1338_1341delAGTG).
Protein change: p.Leu446fs; shifts the reading frame from leucine 446.
Molecular consequence: frameshift variant.
Genome position (GRCh38, 1-based): chr12:45,839,336-45,839,339, AGTG deleted. VCF-style (leftmost placement, unchanged base first): chr12-45839335-TAGTG-T. GRCh37 (hg19) VCF-style: chr12-46233118-TAGTG-T.
Other names: c.1338_1341del, p.Leu446fs (NM_001347839.2); short protein forms L446fs.
Identifiers: ClinVar variation 280731 (VCV000280731.2), dbSNP rs886041882, ClinGen allele CA10603254.